The following is an entry in ClinVar:

ClinVar aggregate classification (germline): Uncertain significance (1 of 4 stars; one submission).

Submission:

GeneDx
Classification: Uncertain significance. Last evaluated: 2025-07-24. Review status: criteria provided, single submitter. Criteria: GeneDx Variant Classification Process June 2021. Collection method: clinical testing. Allele origin: germline. Affected: yes.
Comment: Not observed at significant frequency in large population cohorts (gnomAD); In silico analysis suggests that this missense variant does not alter protein structure/function; Has not been previously published as pathogenic or benign to our knowledge

NM_006852.6(TLK2):c.2131C>G (p.Gln711Glu)

Gene: TLK2 (tousled like kinase 2; plus strand). Cytogenetic location: 17q23.2.
Variant type: single nucleotide variant.
Coding change: c.2131C>G on transcript NM_006852.6 (MANE Select); coding-DNA position 2131, C replaced by G.
Protein change: p.Gln711Glu; replaces glutamine 711 with glutamic acid.
Molecular consequence: missense variant.
Genome position (GRCh38, 1-based): chr17:62,612,443, C>G. VCF-style: chr17-62612443-C-G. GRCh37 (hg19) VCF-style: chr17-60689804-C-G.
Other names: c.2197C>G, p.Gln733Glu (NM_001284333.3); c.2035C>G, p.Gln679Glu (NM_001284363.1, NM_001375272.1, NM_001438203.1 and 1 more transcripts); c.1684C>G, p.Gln562Glu (NM_001330418.3, NM_001375273.1); c.2173C>G, p.Gln725Glu (NM_001375269.1); c.2131C>G, p.Gln711Glu (NM_001375270.1, NM_001375271.1); c.1846C>G, p.Gln616Glu (NM_001411074.1); c.1942C>G, p.Gln648Glu (NM_001438205.1); short protein forms Q562E, Q616E, Q648E, Q679E, Q711E, Q725E, Q733E.
Identifiers: ClinVar variation 4686825 (VCV004686825.1).